The following is an entry in ClinVar:

ClinVar aggregate classification (germline): Uncertain significance (1 of 4 stars; one submission).

Conditions:
Combined oxidative phosphorylation defect type 17. Also called: Combined oxidative phosphorylation deficiency 17. Identifiers: Orphanet 369913, MedGen C3809526, MONDO:0014190, OMIM 615440.

Submission:

Labcorp Genetics (formerly Invitae), Labcorp
Classification: Uncertain significance for Combined oxidative phosphorylation defect type 17. Last evaluated: 2020-02-17. Review status: criteria provided, single submitter. Criteria: Invitae Variant Classification Sherloc (09022015). Collection method: clinical testing. Allele origin: germline.
Comment: In summary, the available evidence is currently insufficient to determine the role of this variant in disease. Therefore, it has been classified as a Variant of Uncertain Significance. This variant, c.851_853del, results in the deletion of 1 amino acid(s) of the ELAC2 protein (p.Ile284del), but otherwise preserves the integrity of the reading frame. This variant is not present in population databases (ExAC no frequency). This variant has not been reported in the literature in individuals with ELAC2-related conditions. Experimental studies and prediction algorithms are not available for this variant, and the functional significance of the affected amino acid(s) is currently unknown.

NM_018127.7(ELAC2):c.851_853del (p.Ile284del)

Gene: ELAC2 (elaC ribonuclease Z 2; minus strand). Cytogenetic location: 17p12.
Variant type: Deletion.
Coding change: c.851_853del on transcript NM_018127.7 (MANE Select); coding-DNA positions 851 to 853, 3 bases deleted (TCA; older notation c.851_853delTCA).
Protein change: p.Ile284del; deletes isoleucine 284.
Molecular consequence: inframe deletion.
Genome position (GRCh38, 1-based): chr17:13,005,770-13,005,772, TGA deleted on the plus strand (TCA on the coding strand, the reverse complement: ELAC2 is on the minus strand); deleting any 3 consecutive bases within chr17:13,005,770-13,005,774 gives the same sequence; the c. name uses the placement nearest the transcript's 3' end. VCF-style (leftmost placement, unchanged base first): chr17-13005769-GTGA-G. GRCh37 (hg19) VCF-style: chr17-12909086-GTGA-G.
Other names: c.731_733del, p.Ile244del (NM_001165962.2); c.851_853del, p.Ile284del (NM_173717.2); short protein forms I244del, I284del.
Identifiers: ClinVar variation 950247 (VCV000950247.6), dbSNP rs2041067692, ClinGen allele CA1139665229.